The following is an entry in ClinVar:

ClinVar aggregate classification (germline): Uncertain significance (1 of 4 stars; one submission).

Conditions:
Arrhythmogenic right ventricular dysplasia 5. Also called: Arrhythmogenic Right Ventricular Dysplasia/Cardiomyopathy 5; ARRHYTHMOGENIC RIGHT VENTRICULAR DYSPLASIA, FAMILIAL, 5. Identifiers: MedGen C1858379, MONDO:0011459, OMIM 604400.

Allele frequency attached by ClinVar (database versions not stated): gnomAD exomes below 0.00001.

Submission:

Labcorp Genetics (formerly Invitae), Labcorp
Classification: Uncertain significance for Arrhythmogenic right ventricular dysplasia 5. Last evaluated: 2022-02-27. Review status: criteria provided, single submitter. Criteria: Invitae Variant Classification Sherloc (09022015). Collection method: clinical testing. Allele origin: germline.
Comment: In summary, the available evidence is currently insufficient to determine the role of this variant in disease. Therefore, it has been classified as a Variant of Uncertain Significance. Algorithms developed to predict the effect of missense changes on protein structure and function (SIFT, PolyPhen-2, Align-GVGD) all suggest that this variant is likely to be tolerated. This variant has not been reported in the literature in individuals affected with TMEM43-related conditions. This variant is not present in population databases (gnomAD no frequency). This sequence change replaces methionine, which is neutral and non-polar, with valine, which is neutral and non-polar, at codon 36 of the TMEM43 protein (p.Met36Val).

NM_024334.3(TMEM43):c.106A>G (p.Met36Val)

Gene: TMEM43 (transmembrane protein 43; plus strand). Cytogenetic location: 3p25.1.
Variant type: single nucleotide variant.
Coding change: c.106A>G on transcript NM_024334.3 (MANE Select); coding-DNA position 106, A replaced by G.
Protein change: p.Met36Val; replaces methionine 36 with valine.
Molecular consequence: missense variant.
Genome position (GRCh38, 1-based): chr3:14,129,505, A>G. VCF-style: chr3-14129505-A-G. GRCh37 (hg19) VCF-style: chr3-14171005-A-G.
Other names: c.106A>G, p.Met36Val (NM_001407274.1, NM_001407275.1, NM_001407276.1 and 3 more transcripts); short protein forms M36V.
Identifiers: ClinVar variation 1932323 (VCV001932323.5), dbSNP rs2470176497, ClinGen allele CA351534344.
Genomic context (GRCh38, chr3:14,129,505, plus strand): 5'-AAAGTTAAAACCAGCTCCCAGCCAGGCTTCCTGGAACGGCTGAGCGAGACCTCGGGTGGG[A>G]TGTTTGTGGGGCTCATGGCCTTCCTGCTCTCCTTCTACCTAATTTTCACCAATGAGGTAA-3'
Protein context (NP_077310.1, residues 26-46): LERLSETSGG[Met36Val]FVGLMAFLLS